The following is an entry in ClinVar:

ClinVar aggregate classification (germline): Uncertain significance (1 of 4 stars; one submission).

Submission:

Labcorp Genetics (formerly Invitae), Labcorp
Classification: Uncertain significance. Last evaluated: 2025-04-19. Review status: criteria provided, single submitter. Criteria: Invitae Variant Classification Sherloc (09022015). Collection method: clinical testing. Allele origin: germline.
Comment: This sequence change replaces glutamic acid, which is acidic and polar, with aspartic acid, which is acidic and polar, at codon 310 of the COL2A1 protein (p.Glu310Asp). This variant is not present in population databases (gnomAD no frequency). This variant has not been reported in the literature in individuals affected with COL2A1-related conditions. ClinVar contains an entry for this variant (Variation ID: 2800368). Invitae Evidence Modeling of protein sequence and biophysical properties (such as structural, functional, and spatial information, amino acid conservation, physicochemical variation, residue mobility, and thermodynamic stability) indicates that this missense variant is not expected to disrupt COL2A1 protein function with a negative predictive value of 95%. In summary, the available evidence is currently insufficient to determine the role of this variant in disease. Therefore, it has been classified as a Variant of Uncertain Significance.

NM_001844.5(COL2A1):c.930G>C (p.Glu310Asp)

Gene: COL2A1 (collagen type II alpha 1 chain; minus strand). Cytogenetic location: 12q13.11.
Variant type: single nucleotide variant.
Coding change: c.930G>C on transcript NM_001844.5 (MANE Select); coding-DNA position 930, G replaced by C.
Protein change: p.Glu310Asp; replaces glutamic acid 310 with aspartic acid.
Molecular consequence: missense variant.
Genome position (GRCh38, 1-based): chr12:47,993,497, C>G on the plus strand (G>C on the coding strand, the complement: COL2A1 is on the minus strand). VCF-style: chr12-47993497-C-G. GRCh37 (hg19) VCF-style: chr12-48387280-C-G.
Other names: c.723G>C, p.Glu241Asp (NM_033150.3); short protein forms E241D, E310D.
Identifiers: ClinVar variation 2800368 (VCV002800368.3), dbSNP rs1939802854, ClinGen allele CA384521833.
Genomic context (GRCh38, chr12:47,993,497, plus strand): 5'-CTGGAGGGTGTCCATACTTACCATTGGGCCCGGAGATCCGTTCTCACCCGGGGAACCACT[C>G]TCACCCTGGAAAAATGATGCACAAGGTCAGTGTCTGGGACCCCATTCTTGGCCGCCAGCA-3'
Protein context (NP_001835.3, residues 300-320): GEAGAPGVKG[Glu310Asp]SGSPGENGSP